The following is an entry in ClinVar:

NM_201384.3(PLEC):c.261C>G (p.Ser87Arg)

Gene: PLEC (plectin; minus strand). Cytogenetic location: 8q24.3.
Variant type: single nucleotide variant.
Coding change: c.261C>G on transcript NM_201384.3 (MANE Select); coding-DNA position 261, C replaced by G.
Protein change: p.Ser87Arg; replaces serine 87 with arginine.
Molecular consequence: missense variant.
Genome position (GRCh38, 1-based): chr8:143,938,154, G>C on the plus strand (C>G on the coding strand, the complement: PLEC is on the minus strand). VCF-style: chr8-143938154-G-C. GRCh37 (hg19) VCF-style: chr8-145012322-G-C.
Other names: c.342C>G, p.Ser114Arg (NM_000445.5, NM_001410941.1); c.219C>G, p.Ser73Arg (NM_201378.4); c.195C>G, p.Ser65Arg (NM_201379.3); c.672C>G, p.Ser224Arg (NM_201380.4); c.165C>G, p.Ser55Arg (NM_201381.3); c.261C>G, p.Ser87Arg (NM_201382.4); c.273C>G, p.Ser91Arg (NM_201383.3); short protein forms S65R, S114R, S91R, S73R, S224R, S55R, S87R.
Identifiers: ClinVar variation 2923359 (VCV002923359.3), dbSNP rs1282887611, ClinGen allele CA372591916.

ClinVar aggregate classification (germline): Uncertain significance (1 of 4 stars; one submission).

Conditions:
Epidermolysis bullosa simplex with nail dystrophy (EBS5D). Identifiers: MedGen C4225309, MONDO:0014661, OMIM 616487.
Epidermolysis bullosa simplex, Ogna type (EBS5A). Also called: EPIDERMOLYSIS BULLOSA SIMPLEX 5A, OGNA TYPE; Pidermolysis bullosa simplex 5A, Ogna type. Identifiers: Orphanet 79401, MedGen C0432317, MONDO:0007555, OMIM 131950.
Epidermolysis bullosa simplex 5C, with pyloric atresia (EBS5C). Also called: PLEC1-Related Epidermolysis Bullosa with Pyloric Atresia; PLEC-Related Epidermolysis Bullosa with Pyloric Atresia; Epidermolysis bullosa simplex with pyloric atresia. Identifiers: Orphanet 158684, MedGen C2677349, MONDO:0012807, OMIM 612138.
Autosomal recessive limb-girdle muscular dystrophy type 2Q (LGMDR17). Also called: MUSCULAR DYSTROPHY, LIMB-GIRDLE, AUTOSOMAL RECESSIVE 17. Identifiers: Orphanet 254361, MedGen C3150989, MONDO:0013390, OMIM 613723.
Epidermolysis bullosa simplex 5B, with muscular dystrophy (EBS5B). Also called: EPIDERMOLYSIS BULLOSA SIMPLEX AND LIMB-GIRDLE MUSCULAR DYSTROPHY; Epidermolysis bullosa simplex with muscular dystrophy. Identifiers: Orphanet 257, MedGen C2931072, MONDO:0009181, OMIM 226670.

Submission:

Labcorp Genetics (formerly Invitae), Labcorp
Classification: Uncertain significance for Autosomal recessive limb-girdle muscular dystrophy type 2Q; Epidermolysis bullosa simplex, Ogna type; Epidermolysis bullosa simplex with nail dystrophy; Epidermolysis bullosa simplex 5C, with pyloric atresia; Epidermolysis bullosa simplex 5B, with muscular dystrophy. Last evaluated: 2024-06-12. Review status: criteria provided, single submitter. Criteria: Invitae Variant Classification Sherloc (09022015). Collection method: clinical testing. Allele origin: germline.
Comment: This sequence change replaces serine, which is neutral and polar, with arginine, which is basic and polar, at codon 114 of the PLEC protein (p.Ser114Arg). This variant is not present in population databases (gnomAD no frequency). This variant has not been reported in the literature in individuals affected with PLEC-related conditions. Experimental studies and prediction algorithms are not available or were not evaluated, and the functional significance of this variant is currently unknown. In summary, the available evidence is currently insufficient to determine the role of this variant in disease. Therefore, it has been classified as a Variant of Uncertain Significance.